The following is an entry in ClinVar:

NM_001386795.1(DTNA):c.1011A>C (p.Arg337Ser)

Gene: DTNA (dystrobrevin alpha; plus strand). Cytogenetic location: 18q12.1.
Variant type: single nucleotide variant.
Coding change: c.1011A>C on transcript NM_001386795.1 (MANE Select); coding-DNA position 1011, A replaced by C.
Protein change: p.Arg337Ser; replaces arginine 337 with serine.
Molecular consequence: missense variant. On other transcripts: intron variant (1).
Genome position (GRCh38, 1-based): chr18:34,827,602, A>C. VCF-style: chr18-34827602-A-C. GRCh37 (hg19) VCF-style: chr18-32407566-A-C.
Other names: c.1011A>C, p.Arg337Ser (NM_001128175.2, NM_001198938.2, NM_001198939.2 and 26 more transcripts); c.57A>C, p.Arg19Ser (NM_001198942.1, NM_001198944.1, NM_032980.4 and 1 more transcripts); c.261A>C, p.Arg87Ser (NM_001198943.1); c.1020A>C, p.Arg340Ser (NM_001386761.1, NM_001386762.1, NM_001386775.1 and 5 more transcripts); c.603+15489A>C (NM_001198945.2); c.1011A>C (NM_032978.6); short protein forms R19S, R337S, R340S, R87S.
Identifiers: ClinVar variation 999834 (VCV000999834.9), dbSNP rs2095889742, ClinGen allele CA402169478.

ClinVar aggregate classification (germline): Uncertain significance. Review status: criteria provided, multiple submitters, no conflicts (2 of 4 stars). 2 submissions from 2 submitters: Uncertain significance (2). Last evaluated 2025-08-11.

Conditions:
Left ventricular noncompaction 1 (LVNC1). Also called: LEFT VENTRICULAR NONCOMPACTION 1 WITH OR WITHOUT CONGENITAL HEART DEFECTS. Identifiers: Orphanet 54260, MedGen C1858725, MONDO:0011403, OMIM 604169.

Submissions (2):

Ambry Genetics
Classification: Uncertain significance. Last evaluated: 2025-08-11. Review status: criteria provided, single submitter. Criteria: Ambry Variant Classification Scheme 2023. Collection method: clinical testing. Allele origin: germline.

Labcorp Genetics (formerly Invitae), Labcorp
Classification: Uncertain significance for Left ventricular noncompaction 1. Last evaluated: 2020-02-22. Review status: criteria provided, single submitter. Criteria: Invitae Variant Classification Sherloc (09022015). Collection method: clinical testing. Allele origin: germline.
Comment: This sequence change replaces arginine with serine at codon 337 of the DTNA protein (p.Arg337Ser). The arginine residue is moderately conserved and there is a moderate physicochemical difference between arginine and serine. This variant is not present in population databases (ExAC no frequency). This variant has not been reported in the literature in individuals with DTNA-related conditions. Algorithms developed to predict the effect of missense changes on protein structure and function (SIFT, PolyPhen-2, Align-GVGD) all suggest that this variant is likely to be tolerated, but these predictions have not been confirmed by published functional studies and their clinical significance is uncertain. In summary, the available evidence is currently insufficient to determine the role of this variant in disease. Therefore, it has been classified as a Variant of Uncertain Significance.